The following is an entry in ClinVar:

NC_012920.1(MT-ND3):m.10366C>T

Gene: MT-ND3 (mitochondrially encoded NADH dehydrogenase 3; plus strand).
Variant type: single nucleotide variant.
Genome position: chrM-10366-C-T.
Identifiers: ClinVar variation 693286 (VCV000693286.1), dbSNP rs1603222801, ClinGen allele CA414805215.

ClinVar aggregate classification (germline): Uncertain significance (1 of 4 stars; one submission).

Conditions:
Leigh syndrome (NULS). Also called: Leigh's necrotizing encephalopathy; Leigh's disease; Leigh Syndrome (mtDNA deletion); Leigh Disease; Subacute necrotizing encephalopathy; Necrotizing encephalopathy infantile subacute of Leigh. Identifiers: Orphanet 506, MedGen C2931891, MONDO:0009723, OMIM 256000.

Submission:

Wong Mito Lab, Molecular and Human Genetics, Baylor College of Medicine
Classification: Uncertain significance for Leigh syndrome. Last evaluated: 2019-10-17. Review status: criteria provided, single submitter. Criteria: Modified ACMG Guidelines (Unpublished). Collection method: clinical testing. Allele origin: germline.
Comment: The NC_012920.1:m.10366C>T (YP_003024033.1:p.Ala103Val) variant in MTND3 gene is interpretated to be a Uncertain Significance variant based on the modified ACMG guidelines (unpublished). This variant meets the following evidence codes: BP4